The following is an entry in ClinVar:

ClinVar aggregate classification (germline): Uncertain significance (1 of 4 stars; one submission).

Allele frequency attached by ClinVar (database versions not stated): gnomAD exomes below 0.00001; TOPMed below 0.00001; gnomAD 0.00001.
gnomAD v4.1: 6 of 1,598,346 alleles (0.00038%); highest among the groups gnomAD compares: Middle Eastern, 0.017%; no homozygotes.

Submission:

Labcorp Genetics (formerly Invitae), Labcorp
Classification: Uncertain significance. Last evaluated: 2022-07-26. Review status: criteria provided, single submitter. Criteria: Invitae Variant Classification Sherloc (09022015). Collection method: clinical testing. Allele origin: germline.
Comment: This sequence change replaces alanine, which is neutral and non-polar, with serine, which is neutral and polar, at codon 702 of the MYO18B protein (p.Ala702Ser). This variant is not present in population databases (gnomAD no frequency). This variant has not been reported in the literature in individuals affected with MYO18B-related conditions. ClinVar contains an entry for this variant (Variation ID: 1505582). Algorithms developed to predict the effect of missense changes on protein structure and function are either unavailable or do not agree on the potential impact of this missense change (SIFT: "Not Available"; PolyPhen-2: "Possibly Damaging"; Align-GVGD: "Not Available"). In summary, the available evidence is currently insufficient to determine the role of this variant in disease. Therefore, it has been classified as a Variant of Uncertain Significance.

NM_032608.7(MYO18B):c.2104G>T (p.Ala702Ser)

Gene: MYO18B (myosin XVIIIB; plus strand). Cytogenetic location: 22q12.1.
Variant type: single nucleotide variant.
Coding change: c.2104G>T on transcript NM_032608.7 (MANE Select); coding-DNA position 2104, G replaced by T.
Protein change: p.Ala702Ser; replaces alanine 702 with serine.
Molecular consequence: missense variant.
Genome position (GRCh38, 1-based): chr22:25,780,091, G>T. VCF-style: chr22-25780091-G-T. GRCh37 (hg19) VCF-style: chr22-26176058-G-T.
Other names: c.2104G>T, p.Ala702Ser (NM_001318245.2); short protein forms A702S.
Identifiers: ClinVar variation 1505582 (VCV001505582.5), dbSNP rs559867806, ClinGen allele CA322764294.